The following is an entry in ClinVar:

NM_030665.4(RAI1):c.2951C>A (p.Ala984Glu)

Gene: RAI1 (retinoic acid induced 1; plus strand). Cytogenetic location: 17p11.2.
Variant type: single nucleotide variant.
Coding change: c.2951C>A on transcript NM_030665.4 (MANE Select); coding-DNA position 2951, C replaced by A.
Protein change: p.Ala984Glu; replaces alanine 984 with glutamic acid.
Molecular consequence: missense variant.
Genome position (GRCh38, 1-based): chr17:17,795,899, C>A. VCF-style: chr17-17795899-C-A. GRCh37 (hg19) VCF-style: chr17-17699213-C-A.
Other names: c.2951C>A (NM_030665.3); short protein forms A984E.
Identifiers: ClinVar variation 1372908 (VCV001372908.10), dbSNP rs371644042, ClinGen allele CA8418643.

ClinVar aggregate classification (germline): Benign/Likely benign. Review status: criteria provided, multiple submitters, no conflicts (2 of 4 stars). 3 submissions from 3 submitters: Benign (1); Likely benign (1). 1 of the submissions does not count toward it. Last evaluated 2025-10-07.

Conditions:
RAI1-related disorder. Also called: RAI1-related condition.

gnomAD v4.1: 26 of 1,611,252 alleles (0.0016%); highest among the groups gnomAD compares: Non-Finnish European, 0.0022%; no homozygotes.

Submissions (3):

Labcorp Genetics (formerly Invitae), Labcorp
Classification: Benign. Last evaluated: 2025-10-07. Review status: criteria provided, single submitter. Criteria: Invitae Variant Classification Sherloc (09022015). Collection method: clinical testing. Allele origin: germline.

Laboratory of Genetics, Children's Clinical University Hospital Latvia
Classification: Likely benign. Last evaluated: 2025-02-16. Review status: criteria provided, single submitter. Criteria: ACMG Guidelines, 2015. Collection method: clinical testing. Allele origin: germline. Affected: yes.

PreventionGenetics, part of Exact Sciences
Classification: Uncertain significance for RAI1-related condition. Last evaluated: 2024-04-13. Review status: no assertion criteria provided. Collection method: clinical testing. Allele origin: germline. Not counted in ClinVar's aggregate classification.
Comment: The RAI1 c.2951C>A variant is predicted to result in the amino acid substitution p.Ala984Glu. To our knowledge, this variant has not been reported in the literature. This variant is reported in 0.0027% of alleles in individuals of European (Non-Finnish) descent in gnomAD. At this time, the clinical significance of this variant is uncertain due to the absence of conclusive functional and genetic evidence.